The following is an entry in ClinVar:

ClinVar aggregate classification (germline): Uncertain significance. Review status: criteria provided, multiple submitters, no conflicts (2 of 4 stars). 2 submissions from 2 submitters: Uncertain significance (2). Last evaluated 2024-11-26.

Conditions:
Inborn genetic diseases. Identifiers: MedGen C0950123, MeSH D030342.
Baller-Gerold syndrome (BGS). Also called: CRANIOSYNOSTOSIS WITH RADIAL DEFECTS. Identifiers: Orphanet 1225, MedGen C0265308, MONDO:0009039, OMIM 218600.

Allele frequency attached by ClinVar (database versions not stated): gnomAD exomes below 0.00001.
gnomAD v4.1: 4 of 1,611,286 alleles (0.00025%); highest among the groups gnomAD compares: Non-Finnish European, 0.00025%; no homozygotes.

Submissions (2):

Ambry Genetics
Classification: Uncertain significance for Inborn genetic diseases. Last evaluated: 2024-11-26. Review status: criteria provided, single submitter. Criteria: Ambry Variant Classification Scheme 2023. Collection method: clinical testing. Allele origin: germline.
Comment: The p.A1001T variant (also known as c.3001G>A), located in coding exon 17 of the RECQL4 gene, results from a G to A substitution at nucleotide position 3001. The alanine at codon 1001 is replaced by threonine, an amino acid with similar properties. This amino acid position is conserved. Based on the available evidence, the clinical significance of this variant remains unclear.

Labcorp Genetics (formerly Invitae), Labcorp
Classification: Uncertain significance for Baller-Gerold syndrome. Last evaluated: 2023-02-24. Review status: criteria provided, single submitter. Criteria: Invitae Variant Classification Sherloc (09022015). Collection method: clinical testing. Allele origin: germline.
Comment: In summary, the available evidence is currently insufficient to determine the role of this variant in disease. Therefore, it has been classified as a Variant of Uncertain Significance. Advanced modeling of protein sequence and biophysical properties (such as structural, functional, and spatial information, amino acid conservation, physicochemical variation, residue mobility, and thermodynamic stability) performed at Invitae indicates that this missense variant is not expected to disrupt RECQL4 protein function. This variant has not been reported in the literature in individuals affected with RECQL4-related conditions. This variant is not present in population databases (gnomAD no frequency). This sequence change replaces alanine, which is neutral and non-polar, with threonine, which is neutral and polar, at codon 1001 of the RECQL4 protein (p.Ala1001Thr).

NM_004260.4(RECQL4):c.3001G>A (p.Ala1001Thr)

Gene: RECQL4 (RecQ like helicase 4; minus strand). Cytogenetic location: 8q24.3.
Variant type: single nucleotide variant.
Coding change: c.3001G>A on transcript NM_004260.4 (MANE Select); coding-DNA position 3001, G replaced by A.
Protein change: p.Ala1001Thr; replaces alanine 1001 with threonine.
Molecular consequence: missense variant. On other transcripts: non-coding transcript variant (3).
Genome position (GRCh38, 1-based): chr8:144,512,446, C>T on the plus strand (G>A on the coding strand, the complement: RECQL4 is on the minus strand). VCF-style: chr8-144512446-C-T. GRCh37 (hg19) VCF-style: chr8-145737829-C-T.
Other names: c.1732G>A, p.Ala578Thr (NM_001413031.1, NM_001413038.1); c.1864G>A, p.Ala622Thr (NM_001413032.1, NM_001413027.1, NM_001413030.1); c.2869G>A, p.Ala957Thr (NM_001413033.1); c.1930G>A, p.Ala644Thr (NM_001413034.1, NM_001413040.1, NM_001413035.1 and 4 more transcripts); c.1939G>A, p.Ala647Thr (NM_001413041.1); c.1900G>A, p.Ala634Thr (NM_001413042.1); c.3001G>A, p.Ala1001Thr (NM_001413036.1); c.1798G>A, p.Ala600Thr (NM_001413037.1); and 10 more; short protein forms A578T, A600T, A634T, A957T, A1026T, A644T, A884T, A935T.
Identifiers: ClinVar variation 2739447 (VCV002739447.4), dbSNP rs2130662576, ClinGen allele CA372672752.